The following is an entry in ClinVar:

NM_000452.3(SLC10A2):c.766C>T (p.Arg256Ter)

Gene: SLC10A2 (solute carrier family 10 member 2; minus strand). Cytogenetic location: 13q33.1.
Variant type: single nucleotide variant.
Coding change: c.766C>T on transcript NM_000452.3 (MANE Select); coding-DNA position 766, C replaced by T.
Protein change: p.Arg256Ter; replaces arginine 256 with a stop codon.
Molecular consequence: nonsense.
Genome position (GRCh38, 1-based): chr13:103,049,442, G>A on the plus strand (C>T on the coding strand, the complement: SLC10A2 is on the minus strand). VCF-style: chr13-103049442-G-A. GRCh37 (hg19) VCF-style: chr13-103701792-G-A.
Other names: c.766C>T (NM_000452.2); short protein forms R256*.
Identifiers: ClinVar variation 2184146 (VCV002184146.6), dbSNP rs141838179, ClinGen allele CA7042050.

ClinVar aggregate classification (germline): Uncertain significance. Review status: criteria provided, multiple submitters, no conflicts (2 of 4 stars). 3 submissions from 3 submitters: Uncertain significance (2). 1 of the submissions does not count toward it. Last evaluated 2025-12-22.

Conditions:
Bile acid malabsorption, primary, 1 (PBAM1). Also called: Bile acid malabsorption, primary. Identifiers: MedGen C5561934, MONDO:0013214, OMIM 613291.
SLC10A2-related disorder. Also called: SLC10A2-related condition.

Allele frequency attached by ClinVar (database versions not stated): ExAC 0.00006; gnomAD 0.00008; TOPMed 0.00009; gnomAD exomes 0.00011; ESP Exome Variant Server 0.00015; 1000 Genomes Project 30x 0.00031; 1000 Genomes Project 0.00040.

Submissions (3):

Labcorp Genetics (formerly Invitae), Labcorp
Classification: Uncertain significance. Last evaluated: 2025-12-22. Review status: criteria provided, single submitter. Criteria: Invitae Variant Classification Sherloc (09022015). Collection method: clinical testing. Allele origin: germline.
Comment: This sequence change creates a premature translational stop signal (p.Arg256*) in the SLC10A2 gene. It is expected to result in an absent or disrupted protein product. However, the current clinical and genetic evidence is not sufficient to establish whether loss-of-function variants in SLC10A2 cause disease. This variant is present in population databases (rs141838179, gnomAD 0.02%). This variant has not been reported in the literature in individuals affected with SLC10A2-related conditions. ClinVar contains an entry for this variant (Variation ID: 2184146). In summary, the available evidence is currently insufficient to determine the role of this variant in disease. Therefore, it has been classified as a Variant of Uncertain Significance.

Revvity Omics, Revvity
Classification: Uncertain significance for Bile acid malabsorption, primary, 1. Last evaluated: 2024-02-01. Review status: criteria provided, single submitter. Criteria: ACMG Guidelines, 2015. Collection method: clinical testing. Allele origin: germline.

PreventionGenetics, part of Exact Sciences
Classification: Uncertain significance for SLC10A2-related condition. Last evaluated: 2024-06-26. Review status: no assertion criteria provided. Collection method: clinical testing. Allele origin: germline. Not counted in ClinVar's aggregate classification.
Comment: The SLC10A2 c.766C>T variant is predicted to result in premature protein termination (p.Arg256*). To our knowledge, this variant has not been reported in the literature in individuals with autosomal recessive primary bile acid malabsorption. This variant is reported in 0.020% of alleles in individuals of African descent in gnomAD. Loss of function is not an established mechanism for disease for this gene. Although we suspect that this variant may be pathogenic, at this time, the clinical significance of this variant is uncertain due to the absence of conclusive functional and genetic evidence.